The following is an entry in ClinVar:

ClinVar aggregate classification (germline): Conflicting classifications of pathogenicity. Review status: criteria provided, conflicting classifications (1 of 4 stars). 4 submissions from 4 submitters: Uncertain significance (1); Likely benign (2). 1 of the submissions does not count toward it. Last evaluated 2025-09-15.

Conditions:
VCAN-related disorder. Also called: VCAN-related condition.
Vitreoretinopathy. Also called: Vitreoretinal degeneration. Identifiers: MedGen C0344290, MONDO:0020248, HP:0007773.
Inborn genetic diseases. Identifiers: MedGen C0950123, MeSH D030342.

Allele frequency attached by ClinVar (database versions not stated): gnomAD 0.00003 and 0.00004; gnomAD exomes 0.00003 and 0.00007; ExAC 0.00005; TOPMed 0.00005; ESP Exome Variant Server 0.00008.
gnomAD v4.1: 59 of 1,614,068 alleles (0.0037%); highest among the groups gnomAD compares: Non-Finnish European, 0.0013%; no homozygotes.

Submissions (4):

Labcorp Genetics (formerly Invitae), Labcorp
Classification: Likely benign. Last evaluated: 2025-09-15. Review status: criteria provided, single submitter. Criteria: Invitae Variant Classification Sherloc (09022015). Collection method: clinical testing. Allele origin: germline.

Ambry Genetics
Classification: Uncertain significance for Inborn genetic diseases. Last evaluated: 2025-06-03. Review status: criteria provided, single submitter. Criteria: Ambry Variant Classification Scheme 2023. Collection method: clinical testing. Allele origin: germline.

Illumina Laboratory Services, Illumina
Classification: Likely benign for Vitreoretinopathy. Last evaluated: 2018-01-13. Review status: criteria provided, single submitter. Criteria: ICSL Variant Classification Criteria 13 December 2019. Collection method: clinical testing. Allele origin: germline.
Comment: This variant was observed in the ICSL laboratory as part of a predisposition screen in an ostensibly healthy population. It had not been previously curated by ICSL or reported in the Human Gene Mutation Database (HGMD: prior to June 1st, 2018), and was therefore a candidate for classification through an automated scoring system. Utilizing variant allele frequency, disease prevalence and penetrance estimates, and inheritance mode, an automated score was calculated to assess if this variant is too frequent to cause the disease. Based on the score and internal cut-off values, a variant classified as likely benign is not then subjected to further curation. The score for this variant resulted in a classification of likely benign for this disease.

PreventionGenetics, part of Exact Sciences
Classification: Likely benign for VCAN-related condition. Last evaluated: 2022-02-27. Review status: no assertion criteria provided. Collection method: clinical testing. Allele origin: germline. Not counted in ClinVar's aggregate classification.
Comment: This variant is classified as likely benign based on ACMG/AMP sequence variant interpretation guidelines (Richards et al. 2015 PMID: 25741868, with internal and published modifications).

NM_004385.5(VCAN):c.109T>G (p.Ser37Ala)

Gene: VCAN (versican; plus strand). Cytogenetic location: 5q14.2.
Variant type: single nucleotide variant.
Coding change: c.109T>G on transcript NM_004385.5 (MANE Select); coding-DNA position 109, T replaced by G.
Protein change: p.Ser37Ala; replaces serine 37 with alanine.
Molecular consequence: missense variant.
Genome position (GRCh38, 1-based): chr5:83,490,136, T>G. VCF-style: chr5-83490136-T-G. GRCh37 (hg19) VCF-style: chr5-82785955-T-G.
Other names: c.109T>G, p.Ser37Ala (NM_001126336.3, NM_001164097.2, NM_001164098.2); short protein forms S37A.
Identifiers: ClinVar variation 354388 (VCV000354388.16), dbSNP rs142740596, ClinGen allele CA3332390.